The following is an entry in ClinVar:

NM_001256071.3(RNF213):c.8181G>A (p.Arg2727=)

Gene: RNF213 (ring finger protein 213; plus strand). Cytogenetic location: 17q25.3.
Variant type: single nucleotide variant.
Coding change: c.8181G>A on transcript NM_001256071.3 (MANE Select); coding-DNA position 8181, G replaced by A.
Protein change: p.Arg2727=; no amino-acid change (arginine 2727 retained).
Molecular consequence: synonymous variant.
Genome position (GRCh38, 1-based): chr17:80,346,516, G>A. VCF-style: chr17-80346516-G-A. GRCh37 (hg19) VCF-style: chr17-78320316-G-A.
Other names: c.8328G>A, p.Arg2776= (NM_001410195.1, NM_020914.5).
Identifiers: ClinVar variation 3038972 (VCV003038972.2), dbSNP rs760848800, ClinGen allele CA8820899.

ClinVar aggregate classification (germline): Likely benign (0 of 4 stars; one submission).

Conditions:
RNF213-related disorder. Also called: RNF213-related condition.

Allele frequency attached by ClinVar (database versions not stated): gnomAD exomes 0.00002; TOPMed 0.00005; ExAC 0.00011.
gnomAD v4.1: 31 of 1,613,602 alleles (0.0019%); highest among the groups gnomAD compares: Admixed American, 0.052%; no homozygotes.

Submission:

PreventionGenetics, part of Exact Sciences
Classification: Likely benign for RNF213-related condition. Last evaluated: 2019-05-27. Review status: no assertion criteria provided. Collection method: clinical testing. Allele origin: germline.
Comment: This variant is classified as likely benign based on ACMG/AMP sequence variant interpretation guidelines (Richards et al. 2015 PMID: 25741868, with internal and published modifications).